The following is an entry in ClinVar:

ClinVar aggregate classification (germline): Uncertain significance (1 of 4 stars; one submission).

Submission:

Labcorp Genetics (formerly Invitae), Labcorp
Classification: Uncertain significance. Last evaluated: 2022-10-31. Review status: criteria provided, single submitter. Criteria: Invitae Variant Classification Sherloc (09022015). Collection method: clinical testing. Allele origin: germline.
Comment: This sequence change replaces glutamic acid, which is acidic and polar, with lysine, which is basic and polar, at codon 37 of the PLOD3 protein (p.Glu37Lys). This variant also falls at the last nucleotide of exon 1, which is part of the consensus splice site for this exon. This variant is not present in population databases (gnomAD no frequency). This variant has not been reported in the literature in individuals affected with PLOD3-related conditions. Algorithms developed to predict the effect of missense changes on protein structure and function (SIFT, PolyPhen-2, Align-GVGD) all suggest that this variant is likely to be tolerated. Variants that disrupt the consensus splice site are a relatively common cause of aberrant splicing (PMID: 17576681, 9536098). In summary, the available evidence is currently insufficient to determine the role of this variant in disease. Therefore, it has been classified as a Variant of Uncertain Significance.

Literature cited by the submitters: PubMed 17576681; PubMed 9536098.

NM_001084.5(PLOD3):c.109G>A (p.Glu37Lys)

Gene: PLOD3 (procollagen-lysine,2-oxoglutarate 5-dioxygenase 3; minus strand). Cytogenetic location: 7q22.1.
Variant type: single nucleotide variant.
Coding change: c.109G>A on transcript NM_001084.5 (MANE Select); coding-DNA position 109, G replaced by A.
Protein change: p.Glu37Lys; replaces glutamic acid 37 with lysine.
Molecular consequence: missense variant.
Genome position (GRCh38, 1-based): chr7:101,217,166, C>T on the plus strand (G>A on the coding strand, the complement: PLOD3 is on the minus strand). VCF-style: chr7-101217166-C-T. GRCh37 (hg19) VCF-style: chr7-100860447-C-T.
Other names: short protein forms E37K.
Identifiers: ClinVar variation 2054333 (VCV002054333.4), dbSNP rs2535180273, ClinGen allele CA368627891.
Genomic context (GRCh38, chr7:101,217,166, plus strand): 5'-GGCTGGCAGGCACGCCAGCCTCTGCCCCCTCGGCCGTGCCGGGCCTCCCCGGGATCTCAC[C>T]TGGGTTGACCGGGTCTCGGCCCCGGGGCCGGTCGGAGGCTGAGGCCGCAGGGGGCAGCAG-3'
Protein context (NP_001075.1, residues 27-47): RPRGRDPVNP[Glu37Lys]KLLVITVATA